The following is an entry in ClinVar:

ClinVar aggregate classification (germline): Uncertain significance. Review status: criteria provided, multiple submitters, no conflicts (2 of 4 stars). 2 submissions from 2 submitters: Uncertain significance (2). Last evaluated 2023-12-29.

Conditions:
Cardiovascular phenotype. Identifiers: MedGen CN230736.
Dilated cardiomyopathy 1KK (CMD1KK). Identifiers: Orphanet 154, Orphanet 75249, MedGen C3714995, MONDO:0014100, OMIM 615248.

Allele frequency attached by ClinVar (database versions not stated): gnomAD exomes below 0.00001.

Submissions (2):

Ambry Genetics
Classification: Uncertain significance for Cardiovascular phenotype. Last evaluated: 2023-12-29. Review status: criteria provided, single submitter. Criteria: Ambry Variant Classification Scheme 2023. Collection method: clinical testing. Allele origin: germline.
Comment: The p.P1279L variant (also known as c.3836C>T), located in coding exon 19 of the MYPN gene, results from a C to T substitution at nucleotide position 3836. The proline at codon 1279 is replaced by leucine, an amino acid with similar properties. This amino acid position is conserved. In addition, this alteration is predicted to be tolerated by in silico analysis. Since supporting evidence is limited at this time, the clinical significance of this alteration remains unclear.

Labcorp Genetics (formerly Invitae), Labcorp
Classification: Uncertain significance for Dilated cardiomyopathy 1KK. Last evaluated: 2022-05-09. Review status: criteria provided, single submitter. Criteria: Invitae Variant Classification Sherloc (09022015). Collection method: clinical testing. Allele origin: germline.
Comment: In summary, the available evidence is currently insufficient to determine the role of this variant in disease. Therefore, it has been classified as a Variant of Uncertain Significance. Algorithms developed to predict the effect of missense changes on protein structure and function are either unavailable or do not agree on the potential impact of this missense change (SIFT: "Tolerated"; PolyPhen-2: "Possibly Damaging"; Align-GVGD: "Class C0"). This variant has not been reported in the literature in individuals affected with MYPN-related conditions. This variant is present in population databases (no rsID available, gnomAD 0.003%). This sequence change replaces proline, which is neutral and non-polar, with leucine, which is neutral and non-polar, at codon 1279 of the MYPN protein (p.Pro1279Leu).

NM_032578.4(MYPN):c.3836C>T (p.Pro1279Leu)

Gene: MYPN (myopalladin; plus strand). Cytogenetic location: 10q21.3.
Variant type: single nucleotide variant.
Coding change: c.3836C>T on transcript NM_032578.4 (MANE Select); coding-DNA position 3836, C replaced by T.
Protein change: p.Pro1279Leu; replaces proline 1279 with leucine.
Molecular consequence: missense variant. On other transcripts: non-coding transcript variant (2).
Genome position (GRCh38, 1-based): chr10:68,210,328, C>T. VCF-style: chr10-68210328-C-T. GRCh37 (hg19) VCF-style: chr10-69970085-C-T.
Other names: c.3836C>T, p.Pro1279Leu (NM_001256267.2); c.2954C>T, p.Pro985Leu (NM_001256268.2); c.3836C>T (NM_032578.2); short protein forms P1279L, P985L.
Identifiers: ClinVar variation 2136313 (VCV002136313.5), dbSNP rs1170763287, ClinGen allele CA376829955.